The following is an entry in ClinVar:

NM_002524.5(NRAS):c.37G>C (p.Gly13Arg)

Gene: NRAS (NRAS proto-oncogene, GTPase; minus strand). Cytogenetic location: 1p13.2.
Variant type: single nucleotide variant.
Coding change: c.37G>C on transcript NM_002524.5 (MANE Select); coding-DNA position 37, G replaced by C.
Protein change: p.Gly13Arg; replaces glycine 13 with arginine.
Molecular consequence: missense variant.
Genome position (GRCh38, 1-based): chr1:114,716,124, C>G on the plus strand (G>C on the coding strand, the complement: NRAS is on the minus strand). VCF-style: chr1-114716124-C-G. GRCh37 (hg19) VCF-style: chr1-115258745-C-G.
Other names: c.37G>C (NM_002524.3); short protein forms G13R.
Identifiers: ClinVar variation 13899 (VCV000013899.11), dbSNP rs121434595, ClinGen allele CA151261.
Genomic context (GRCh38, chr1:114,716,124, plus strand): 5'-CATATTCATCTACAAAGTGGTTCTGGATTAGCTGGATTGTCAGTGCGCTTTTCCCAACAC[C>G]ACCTGCTCCAACCACCACCAGTTTGTACTCAGTCATTTCACACCAGCAAGAACCTGTTGG-3'
Protein context (NP_002515.1, residues 3-23): EYKLVVVGAG[Gly13Arg]VGKSALTIQL

ClinVar aggregate classification (germline): Pathogenic/Likely pathogenic. Review status: criteria provided, multiple submitters, no conflicts (2 of 4 stars). 6 submissions from 5 submitters: Pathogenic (1); Likely pathogenic (2). 3 of the submissions do not count toward it. Last evaluated 2026-07-05.
ClinVar aggregate classification (somatic clinical impact): Tier I - Strong (1 of 4 stars; one submission).

Conditions:
Large congenital melanocytic nevus (CMNS). Also called: MELANOCYTIC NEVUS SYNDROME, CONGENITAL, SOMATIC; Congenital giant melanocytic nevus; PIGMENTED MOLES; Giant congenital nevus; Giant hairy nevus; Bathing trunk nevus. Identifiers: Orphanet 626, MedGen C1842036, MONDO:0044792, OMIM 137550, HP:0005600.
Linear nevus sebaceous syndrome. Also called: Linear nevus sebaceous; SCHIMMELPENNING-FEUERSTEIN-MIMS SYNDROME, SOMATIC MOSAIC; JADASSOHN NEVUS PHAKOMATOSIS; NEVUS SEBACEUS OF JADASSOHN; ORGANOID NEVUS PHAKOMATOSIS; SFM SYNDROME. Identifiers: Orphanet 2612, MedGen C4552097, MONDO:0008097, OMIM 163200, HP:0010817.
Acute myeloid leukemia (AML). Also called: Acute myeloid leukemia, adult; AML adult; Acute non-lymphocytic leukemia; Acute granulocytic leukemia; Leukemia, acute myeloid, somatic; Leukemia, acute myelogenous, somatic. Identifiers: Orphanet 519, MedGen C0023467, MeSH D015470, MONDO:0018874, OMIM 601626, HP:0004808. Disease mechanism: Constitutively activated FLT3.
Noonan syndrome 6 (NS6). Also called: NRAS-Related Noonan Syndrome. Identifiers: Orphanet 648, MedGen C2750732, MONDO:0013186, OMIM 613224.
Carcinoma of colon (CRC). Also called: Colonic carcinoma; Colon carcinoma. Identifiers: MedGen C0699790, MONDO:0002032.
Rhabdomyosarcoma. Also called: Rhabdomyosarcoma (disease). Identifiers: Orphanet 780, MedGen C0035412, MeSH D012208, MONDO:0005212, HP:0002859.

gnomAD v4.1: 2 of 1,614,046 alleles (0.00012%); highest among the groups gnomAD compares: South Asian, 0.0011%; no homozygotes.

Submissions (7):

GeneDx
Classification: Pathogenic. Last evaluated: 2026-07-05. Review status: criteria provided, single submitter. Criteria: GeneDx Variant Classification Process June 2021. Collection method: clinical testing. Allele origin: germline.
Comment: Reported in an individual with juvenile myelomonocytic leukemia (PMID: 36699461); Same nucleotide change of the analogous gene HRAS has been reported as pathogenic in the published literature and at GeneDx (PMID: 22499344, 23096712, 23884457, 33027564); Missense variants in this gene are a common cause of disease and they are underrepresented in the general population; Not observed at significant frequency in large population cohorts (gnomAD); In silico analysis supports that this missense variant has a deleterious effect on protein structure/function; This variant is associated with the following publications: (PMID: 35672316, 18633438, 22962325, 25157968, 36699461, 22499344, 23096712, 23884457, 33027564, 35962610, 41283481)

Institute for Genomic Medicine (IGM) Clinical Laboratory, Nationwide Children's Hospital
Classification: Tier I - Strong for Rhabdomyosarcoma. Assertion type: diagnostic. Clinical significance: supports diagnosis. Last evaluated: 2025-04-30. Review status: criteria provided, single submitter. Criteria: AMP/ASCO/CAP Guidelines, 2017. Collection method: clinical testing. Allele origin: somatic. Affected: yes.
Comment: Variant has Tier I (strong) clinical significance as a diagnostic inclusion criterion in rhabdomyosarcoma, based on the following evidence: 1) Documented in one or more cancer databases (e.g., St. Jude Pecan, COSMIC, CIViC, OncoKB). 2) Appears in one or more well-established professional guidelines (e.g., World Health Organization [WHO]; National Comprehensive Cancer Network [NCCN]) as providing diagnostic, prognostic, or therapeutic information. 3) Information in the literature supports potential biologic effect of variant (PMIDs: 22683711, 25795251). 4) Diagnostic for a specific tumor type/classification based on well-powered studies with expert-level consensus (Evidence Level B; PMIDs: 34166060, 24436047, 2680062, 19681119, 24332040, 25768946).

Clinical Genomics Laboratory, Washington University in St. Louis
Classification: Likely pathogenic for Linear nevus sebaceous syndrome. Last evaluated: 2024-08-12. Review status: criteria provided, single submitter. Criteria: Leon-Quintero et al. (Clin Genet. 2025). Collection method: clinical testing. Allele origin: somatic. Affected: yes.
Comment: An NRAS c.37G>C (p.Gly13Arg) variant was identified. This variant has been reported in numerous individuals with melanocytic nevi (Zhao X et al., PMID: 35962610; Kinsler VA et al., PMID: 24751729; Martins da Silva V et al., PMID: 30359577; Dessars B et al., PMID: 18633438) and in an individual with neurocutaneous melanosis (Shih F et al., PMID: 25330907). It has also been reported in 229 cases in the cancer database COSMIC (Genomic mutation ID: COSV54736550). This variant has been reported in the ClinVar database as a likely pathogenic germline variant by a single submitter and a pathogenic somatic variant by a single submitter (ClinVar Variation ID: 13899). The NRAS c.37G>C (p.Gly13Arg) variant is only observed on 2/1,614,046 alleles in the general population (gnomAD v.4.1.0), indicating it is not a common variant. Computational predictors indicate that the variant is damaging, evidence that correlates with impact to NRAS function. The NRAS gene is defined by the ClinGen RASopathy expert panel as a gene that has a low rate of benign missense variation and where pathogenic missense variants are a common mechanism of disease (Gelb BD et al., PMID: 29493581). Other variants in the same codon, c.37G>T (p.Gly13Cys); c.37G>A (p.Gly13Ser); c.38G>A (p.Gly13Asp); c.38G>T (p.Gly13Val); c.38G>C (p.Gly13Ala), have been reported and are considered pathogenic/likely pathogenic (Variation ID's: 40471, 376221, 13901, 375876, 375877). Based on available information and an internally developed protocol informed by the ACMG/AMP guidelines for variant interpretation and gene-specific practices from the ClinGen Criteria Specification Registry (Leon-Quintero FZ et al., PMID: 39434542), the NRAS c.37G>C (p.Gly13Arg) variant is classified as likely pathogenic.

Revvity Omics, Revvity
Classification: Likely pathogenic for Noonan syndrome 6. Last evaluated: 2019-07-08. Review status: criteria provided, single submitter. Criteria: ACMG Guidelines, 2015. Collection method: clinical testing. Allele origin: germline.

Sung Lab, Department of Medicine, Roswell Park Comprehensive Cancer Center
Classification: Pathogenic for Acute myeloid leukemia. Last evaluated: 2023-06-08. Review status: no assertion criteria provided. Collection method: clinical testing. Allele origin: somatic. Affected: yes. Not counted in ClinVar's aggregate classification.

OMIM
Classification: Pathogenic for RECTAL CANCER, SOMATIC. Last evaluated: 2009-01-01. Review status: no assertion criteria provided. Collection method: literature only. Allele origin: somatic. Not counted in ClinVar's aggregate classification.

OMIM
Classification: Pathogenic for MELANOCYTIC NEVUS SYNDROME, CONGENITAL, SOMATIC. Last evaluated: 2009-01-01. Review status: no assertion criteria provided. Collection method: literature only. Allele origin: somatic. Not counted in ClinVar's aggregate classification.

Literature cited by the submitters: PubMed 22683711 (cited by Institute for Genomic Medicine (IGM) Clinical Laboratory, Nationwide Children's Hospital); PubMed 25795251 (cited by Institute for Genomic Medicine (IGM) Clinical Laboratory, Nationwide Children's Hospital); PubMed 34166060 (cited by Institute for Genomic Medicine (IGM) Clinical Laboratory, Nationwide Children's Hospital); PubMed 24436047 (cited by Institute for Genomic Medicine (IGM) Clinical Laboratory, Nationwide Children's Hospital); PubMed 2680062 (cited by Institute for Genomic Medicine (IGM) Clinical Laboratory, Nationwide Children's Hospital); PubMed 19681119 (cited by Institute for Genomic Medicine (IGM) Clinical Laboratory, Nationwide Children's Hospital); PubMed 24332040 (cited by Institute for Genomic Medicine (IGM) Clinical Laboratory, Nationwide Children's Hospital); PubMed 25768946 (cited by Institute for Genomic Medicine (IGM) Clinical Laboratory, Nationwide Children's Hospital); PubMed 3102434 (cited by OMIM); PubMed 18633438 (cited by OMIM).